The following is an entry in ClinVar:

ClinVar aggregate classification (germline): Uncertain significance (1 of 4 stars; one submission).

gnomAD v4.1: 1 of 1,612,546 alleles (0.000062%); no homozygotes.

Submission:

Labcorp Genetics (formerly Invitae), Labcorp
Classification: Uncertain significance. Last evaluated: 2022-07-12. Review status: criteria provided, single submitter. Criteria: Invitae Variant Classification Sherloc (09022015). Collection method: clinical testing. Allele origin: germline.
Comment: This sequence change replaces glutamine, which is neutral and polar, with leucine, which is neutral and non-polar, at codon 831 of the FRAS1 protein (p.Gln831Leu). The frequency data for this variant in the population databases is considered unreliable, as metrics indicate poor data quality at this position in the gnomAD database. This variant has not been reported in the literature in individuals affected with FRAS1-related conditions. Algorithms developed to predict the effect of missense changes on protein structure and function are either unavailable or do not agree on the potential impact of this missense change (SIFT: "Deleterious"; PolyPhen-2: "Benign"; Align-GVGD: "Class C0"). In summary, the available evidence is currently insufficient to determine the role of this variant in disease. Therefore, it has been classified as a Variant of Uncertain Significance.

NM_025074.7(FRAS1):c.2492A>T (p.Gln831Leu)

Gene: FRAS1 (Fraser extracellular matrix complex subunit 1; plus strand). Cytogenetic location: 4q21.21.
Variant type: single nucleotide variant.
Coding change: c.2492A>T on transcript NM_025074.7 (MANE Select); coding-DNA position 2492, A replaced by T.
Protein change: p.Gln831Leu; replaces glutamine 831 with leucine.
Molecular consequence: missense variant.
Genome position (GRCh38, 1-based): chr4:78,363,582, A>T. VCF-style: chr4-78363582-A-T. GRCh37 (hg19) VCF-style: chr4-79284736-A-T.
Other names: c.2492A>T, p.Gln831Leu (NM_001166133.2); short protein forms Q831L.
Identifiers: ClinVar variation 2075700 (VCV002075700.4), dbSNP rs1318500198, ClinGen allele CA357371712.